The following is an entry in ClinVar:

NM_001134407.3(GRIN2A):c.1652-13T>C

Gene: GRIN2A (glutamate ionotropic receptor NMDA type subunit 2A; minus strand). Cytogenetic location: 16p13.2.
Variant type: single nucleotide variant.
Coding change: c.1652-13T>C on transcript NM_001134407.3 (MANE Select); 13 bases into the intron before coding-DNA position 1652, T replaced by C.
Molecular consequence: intron variant.
Genome position (GRCh38, 1-based): chr16:9,834,243, A>G on the plus strand (T>C on the coding strand, the complement: GRIN2A is on the minus strand). VCF-style: chr16-9834243-A-G. GRCh37 (hg19) VCF-style: chr16-9928100-A-G.
Other names: c.1652-13T>C (NM_001134408.2, NM_000833.5).
Identifiers: ClinVar variation 137510 (VCV000137510.16), dbSNP rs201444481, ClinGen allele CA291121.
Genomic context (GRCh38, chr16:9,834,243, plus strand): 5'-TGAGCAGCATCACAAACATCATCACCCAGACAGAGGCGCTGAATGGTTCTGCAAATAAAC[A>G]GATAAAGGAATGGAAACGTGGTTAGTTATCTCTTCCTCACTTCCAGCAGGAAGCCCAGAC-3'

ClinVar aggregate classification (germline): Benign/Likely benign. Review status: criteria provided, multiple submitters, no conflicts (2 of 4 stars). 6 submissions from 6 submitters: Benign (5); Likely benign (1). Last evaluated 2026-02-02.

Conditions:
Landau-Kleffner syndrome (FESD). Also called: APHASIA, ACQUIRED, WITH EPILEPSY; EPILEPSY, FOCAL, WITH SPEECH DISORDER AND WITH OR WITHOUT MENTAL RETARDATION. Identifiers: Orphanet 1945, Orphanet 725, Orphanet 98818, MedGen C0282512, MONDO:0009509, OMIM 245570.

Allele frequency attached by ClinVar (database versions not stated): gnomAD exomes 0.00018 and 0.00048; ExAC 0.00061; 1000 Genomes Project 0.00180; gnomAD 0.00204 and 0.00226; 1000 Genomes Project 30x 0.00234; ESP Exome Variant Server 0.00239; TOPMed 0.00249.
gnomAD v4.1: 582 of 1,613,832 alleles (0.036%); highest among the groups gnomAD compares: African/African-American, 0.67%; 2 homozygotes.

Submissions (6):

Labcorp Genetics (formerly Invitae), Labcorp
Classification: Benign for Landau-Kleffner syndrome. Last evaluated: 2026-02-02. Review status: criteria provided, single submitter. Criteria: Invitae Variant Classification Sherloc (09022015). Collection method: clinical testing. Allele origin: germline.

ARUP Laboratories, Molecular Genetics and Genomics, ARUP Laboratories
Classification: Benign for Landau-Kleffner syndrome. Last evaluated: 2024-09-17. Review status: criteria provided, single submitter. Criteria: ARUP Molecular Germline Variant Investigation Process 2024. Collection method: clinical testing. Allele origin: germline.

Blueprint Genetics
Classification: Likely benign. Last evaluated: 2024-04-22. Review status: criteria provided, single submitter. Criteria: ACMG Guidelines, 2015. Collection method: clinical testing. Allele origin: germline.

Illumina Laboratory Services, Illumina
Classification: Benign for Landau-Kleffner syndrome. Last evaluated: 2018-01-13. Review status: criteria provided, single submitter. Criteria: ICSL Variant Classification Criteria 13 December 2019. Collection method: clinical testing. Allele origin: germline.
Comment: This variant was observed in the ICSL laboratory as part of a predisposition screen in an ostensibly healthy population. It had not been previously curated by ICSL or reported in the Human Gene Mutation Database (HGMD: prior to June 1st, 2018), and was therefore a candidate for classification through an automated scoring system. Utilizing variant allele frequency, disease prevalence and penetrance estimates, and inheritance mode, an automated score was calculated to assess if this variant is too frequent to cause the disease. Based on the score and internal cut-off values, a variant classified as benign is not then subjected to further curation. The score for this variant resulted in a classification of benign for this disease.

GeneDx
Classification: Benign. Last evaluated: 2014-03-25. Review status: criteria provided, single submitter. Criteria: GeneDx Variant Classification (06012015). Collection method: clinical testing. Allele origin: germline. Affected: yes.
Comment: This variant is considered likely benign or benign based on one or more of the following criteria: it is a conservative change, it occurs at a poorly conserved position in the protein, it is predicted to be benign by multiple in silico algorithms, and/or has population frequency not consistent with disease.

PreventionGenetics, part of Exact Sciences
Classification: Benign. Review status: criteria provided, single submitter. Criteria: ACMG Guidelines, 2015. Collection method: clinical testing. Allele origin: germline.